The following is an entry in ClinVar:

ClinVar aggregate classification (germline): Uncertain significance (1 of 4 stars; one submission).

Conditions:
Lymphoproliferative syndrome 2 (LPFS2). Also called: Combined immunodeficiency due to CD27 deficiency; CD27 DEFICIENCY. Identifiers: Orphanet 238505, MedGen C3554540, MONDO:0014054, OMIM 615122.

Submission:

Labcorp Genetics (formerly Invitae), Labcorp
Classification: Uncertain significance for Lymphoproliferative syndrome 2. Last evaluated: 2025-11-03. Review status: criteria provided, single submitter. Criteria: Invitae Variant Classification Sherloc (09022015). Collection method: clinical testing. Allele origin: germline.
Comment: This sequence change falls in intron 2 of the CD27 gene. It does not directly change the encoded amino acid sequence of the CD27 protein. This variant is not present in population databases (gnomAD no frequency). This variant has not been reported in the literature in individuals affected with CD27-related conditions. Algorithms developed to predict the effect of sequence changes on RNA splicing suggest that this variant may create or strengthen a splice site. In summary, the available evidence is currently insufficient to determine the role of this variant in disease. Therefore, it has been classified as a Variant of Uncertain Significance.

NM_001242.5(CD27):c.268+18G>A

Genes: CD27 (CD27 molecule; plus strand), CD27-AS1 (CD27 antisense RNA 1; minus strand). Cytogenetic location: 12p13.31.
Variant type: single nucleotide variant.
Coding change: c.268+18G>A on transcript NM_001242.5 (MANE Select); 18 bases into the intron after coding-DNA position 268, G replaced by A.
Molecular consequence: intron variant.
Genome position (GRCh38, 1-based): chr12:6,445,573, G>A. VCF-style: chr12-6445573-G-A. GRCh37 (hg19) VCF-style: chr12-6554739-G-A.
Other names: c.-271+18G>A (NM_001413267.1); c.-183+18G>A (NM_001413266.1, NM_001413268.1); c.273+13G>A (NM_001413263.1); c.268+18G>A (NM_001413265.1); c.241+45G>A (NM_001413264.1).
Identifiers: ClinVar variation 4716436 (VCV004716436.1).